The following is an entry in ClinVar:

ClinVar aggregate classification (germline): Uncertain significance (1 of 4 stars; one submission).

Submission:

Labcorp Genetics (formerly Invitae), Labcorp
Classification: Uncertain significance. Last evaluated: 2021-11-17. Review status: criteria provided, single submitter. Criteria: Invitae Variant Classification Sherloc (09022015). Collection method: clinical testing. Allele origin: germline.
Comment: In summary, the available evidence is currently insufficient to determine the role of this variant in disease. Therefore, it has been classified as a Variant of Uncertain Significance. This variant has not been reported in the literature in individuals affected with AEBP1-related conditions. This variant is not present in population databases (gnomAD no frequency). This sequence change creates a premature translational stop signal (p.Pro1057Leufs*5) in the AEBP1 gene. While this is not anticipated to result in nonsense mediated decay, it is expected to disrupt the last 102 amino acid(s) of the AEBP1 protein.

NM_001129.5(AEBP1):c.3170del (p.Pro1057fs)

Gene: AEBP1 (AE binding protein 1; plus strand). Cytogenetic location: 7p13.
Variant type: Deletion.
Coding change: c.3170del on transcript NM_001129.5 (MANE Select); coding-DNA position 3170, one base deleted (C; older notation c.3170delC).
Protein change: p.Pro1057fs; shifts the reading frame from proline 1057.
Molecular consequence: frameshift variant.
Genome position (GRCh38, 1-based): chr7:44,113,954, C deleted; the last of 4 consecutive C bases (chr7:44,113,951-44,113,954); deleting any one gives the same sequence. VCF-style (leftmost placement, unchanged base first): chr7-44113950-GC-G. GRCh37 (hg19) VCF-style: chr7-44153549-GC-G.
Other names: short protein forms P1057fs.
Identifiers: ClinVar variation 1484379 (VCV001484379.6), dbSNP rs2128809607, ClinGen allele CA2573142176.